The following is an entry in ClinVar:

ClinVar aggregate classification (germline): Pathogenic (1 of 4 stars; one submission).

Conditions:
Cardiovascular phenotype. Identifiers: MedGen CN230736.
Hereditary cancer-predisposing syndrome. Also called: Tumor predisposition; Hereditary neoplastic syndrome; Neoplastic Syndromes, Hereditary; Hereditary Cancer Syndrome. Identifiers: Orphanet 140162, MedGen C0027672, MeSH D009386, MONDO:0015356.

Submission:

Ambry Genetics
Classification: Pathogenic for Cardiovascular phenotype; Hereditary cancer-predisposing syndrome. Last evaluated: 2025-05-30. Review status: criteria provided, single submitter. Criteria: Ambry Variant Classification Scheme 2023. Collection method: clinical testing. Allele origin: germline.
Comment: The c.1271dupA pathogenic mutation, located in coding exon 12 of the LZTR1 gene, results from a duplication of A at nucleotide position 1271, causing a translational frameshift with a predicted alternate stop codon (p.Y424*). This alteration is expected to result in loss of function by premature protein truncation or nonsense-mediated mRNA decay. Loss-of-function variants in LZTR1 are related to an increased risk for schwannomas and autosomal recessive Noonan syndrome; however, such associations with autosomal dominant Noonan syndrome have not been observed (Piotrowski A et al. Nat Genet. 2014 Feb;46:182-7; Yamamoto GL et al. J Med Genet. 2015 Jun;52:413-21; Johnston JJ et al. Genet Med. 2018 10;20:1175-1185). Based on the supporting evidence, this variant is pathogenic for an increased risk of LZTR1-related schwannomatosis (SWN) and would be expected to cause autosomal recessive Noonan syndrome when present along with a second pathogenic or likely pathogenic variant on the other allele; however, the association of this alteration with autosomal dominant Noonan syndrome is unlikely.

NM_006767.4(LZTR1):c.1271dup (p.Tyr424Ter)

Gene: LZTR1 (leucine zipper like post translational regulator 1; plus strand). Cytogenetic location: 22q11.21.
Variant type: Duplication.
Coding change: c.1271dup on transcript NM_006767.4 (MANE Select); coding-DNA position 1271, one base duplicated (A; older notation c.1271dupA).
Protein change: p.Tyr424Ter; replaces tyrosine 424 with a stop codon.
Molecular consequence: nonsense.
Genome position (GRCh38, 1-based): chr22:20,993,672, A duplicated. VCF-style (leftmost placement, unchanged base first): chr22-20993671-T-TA. GRCh37 (hg19) VCF-style: chr22-21347960-T-TA.
Other names: short protein forms Y424*.
Identifiers: ClinVar variation 3994434 (VCV003994434.1).